The following is an entry in ClinVar:

NM_001031689.3(PLAA):c.1800G>A (p.Trp600Ter)

Gene: PLAA (phospholipase A2 activating protein; minus strand). Cytogenetic location: 9p21.2.
Variant type: single nucleotide variant.
Coding change: c.1800G>A on transcript NM_001031689.3 (MANE Select); coding-DNA position 1800, G replaced by A.
Protein change: p.Trp600Ter; replaces tryptophan 600 with a stop codon.
Molecular consequence: nonsense.
Genome position (GRCh38, 1-based): chr9:26,907,856, C>T on the plus strand (G>A on the coding strand, the complement: PLAA is on the minus strand). VCF-style: chr9-26907856-C-T. GRCh37 (hg19) VCF-style: chr9-26907854-C-T.
Other names: c.1731G>A, p.Trp577Ter (NM_001321546.2); short protein forms W577*, W600*.
Identifiers: ClinVar variation 2497674 (VCV002497674.2), dbSNP rs2489161312, ClinGen allele CA373128465.

ClinVar aggregate classification (germline): Likely pathogenic (1 of 4 stars; one submission).

Conditions:
Neurodevelopmental disorder with progressive microcephaly, spasticity, and brain anomalies. Identifiers: Orphanet 521426, MedGen C4479631, MONDO:0060502, OMIM 617527.

Submission:

Kasturba Medical College, Manipal, Kasturba Medical College, Manipal, Manipal Academy of Higher Education, Manipal, India
Classification: Likely pathogenic for Neurodevelopmental disorder with progressive microcephaly, spasticity, and brain anomalies. Review status: criteria provided, single submitter. Criteria: ACMG Guidelines, 2015. Collection method: clinical testing. Allele origin: biparental. Inheritance: Autosomal recessive inheritance. Affected: yes.
Comment: This variant is absent in homozygous state in gnomAD database (v4.1.0) and present in a similarly affected individual in our in-house data of 3536 exomes. This variant is absent in heterozygous state in gnomAD and in-house database. This variant leads to the introduction of a premature truncation codon which might either cause the transcript to undergo nonsense-mediated decay or lead to the formation of truncated protein product.